The following is an entry in ClinVar:

NM_000548.5(TSC2):c.*26G>A

Gene: TSC2 (TSC complex subunit 2; plus strand). Cytogenetic location: 16p13.3.
Variant type: single nucleotide variant.
Coding change: c.*26G>A on transcript NM_000548.5 (MANE Select); 26 bases downstream of the stop codon, G replaced by A.
Molecular consequence: 3 prime UTR variant.
Genome position (GRCh38, 1-based): chr16:2,088,636, G>A. VCF-style: chr16-2088636-G-A. GRCh37 (hg19) VCF-style: chr16-2138637-G-A.
Other names: c.*26G>A (NM_001077183.3, NM_001114382.3, NM_001318827.2 and 7 more transcripts).
Identifiers: ClinVar variation 49662 (VCV000049662.9), dbSNP rs13332015, ClinGen allele CA017921.

ClinVar aggregate classification (germline): Benign. Review status: criteria provided, multiple submitters, no conflicts (2 of 4 stars). 6 submissions from 6 submitters: Benign (4). 2 of the submissions do not count toward it. Last evaluated 2018-06-14.

Conditions:
Tuberous sclerosis syndrome (TSC). Also called: Tuberous Sclerosis Complex; Tuberous sclerosis. Identifiers: Orphanet 805, MedGen C0041341, MONDO:0001734.
Tuberous sclerosis 2 (TSC2). Identifiers: Orphanet 805, MedGen C1860707, MONDO:0013199, OMIM 613254.

Allele frequency attached by ClinVar (database versions not stated): gnomAD exomes 0.00912; ExAC 0.01267; gnomAD 0.03348 and 0.03592; ESP Exome Variant Server 0.03725; TOPMed 0.03784; 1000 Genomes Project 0.03854; 1000 Genomes Project 30x 0.04076.
gnomAD v4.1: 10,027 of 1,592,356 alleles (0.63%); highest among the groups gnomAD compares: African/African-American, 11%; 534 homozygotes.

Submissions (6):

GeneDx
Classification: Benign. Last evaluated: 2018-06-14. Review status: criteria provided, single submitter. Criteria: GeneDx Variant Classification Process June 2021. Collection method: clinical testing. Allele origin: germline. Affected: yes.

Illumina Laboratory Services, Illumina
Classification: Benign for Tuberous sclerosis syndrome. Last evaluated: 2018-01-13. Review status: criteria provided, single submitter. Criteria: ICSL Variant Classification Criteria 13 December 2019. Collection method: clinical testing. Allele origin: germline.
Comment: This variant was observed in the ICSL laboratory as part of a predisposition screen in an ostensibly healthy population. It had not been previously curated by ICSL or reported in the Human Gene Mutation Database (HGMD: prior to June 1st, 2018), and was therefore a candidate for classification through an automated scoring system. Utilizing variant allele frequency, disease prevalence and penetrance estimates, and inheritance mode, an automated score was calculated to assess if this variant is too frequent to cause the disease. Based on the score and internal cut-off values, a variant classified as benign is not then subjected to further curation. The score for this variant resulted in a classification of benign for this disease.

Breakthrough Genomics
Classification: Benign. Review status: criteria provided, single submitter. Criteria: ACMG Guidelines, 2015. Collection method: not provided. Allele origin: germline. Inheritance: Autosomal dominant inheritance. Affected: yes.

PreventionGenetics, part of Exact Sciences
Classification: Benign. Review status: criteria provided, single submitter. Criteria: ACMG Guidelines, 2015. Collection method: clinical testing. Allele origin: germline.

SN ONGC Dept of Genetics and Molecular biology Vision Research Foundation
No classification provided. Review status: no classification provided. Collection method: not provided. Allele origin: not provided. Not counted in ClinVar's aggregate classification.
Comment: test comment 2

Tuberous sclerosis database (TSC2)
No classification provided. Condition: TSC. Review status: no classification provided. Criteria: Tuberous Sclerosis Database Assertion Criteria 2015. Collection method: curation. Allele origin: germline. Affected: yes. Not counted in ClinVar's aggregate classification.